The following is an entry in ClinVar:

NM_001164665.2(KIAA1549):c.5822A>G (p.Lys1941Arg)

Gene: KIAA1549 (KIAA1549; minus strand). Cytogenetic location: 7q34.
Variant type: single nucleotide variant.
Coding change: c.5822A>G on transcript NM_001164665.2 (MANE Select); coding-DNA position 5822, A replaced by G.
Protein change: p.Lys1941Arg; replaces lysine 1941 with arginine.
Molecular consequence: missense variant.
Genome position (GRCh38, 1-based): chr7:138,837,937, T>C on the plus strand (A>G on the coding strand, the complement: KIAA1549 is on the minus strand). VCF-style: chr7-138837937-T-C. GRCh37 (hg19) VCF-style: chr7-138522682-T-C.
Other names: c.5774A>G, p.Lys1925Arg (NM_020910.3); short protein forms K1925R, K1941R.
Identifiers: ClinVar variation 1489132 (VCV001489132.6), dbSNP rs2130318838, ClinGen allele CA369383066.

ClinVar aggregate classification (germline): Uncertain significance (1 of 4 stars; one submission).

Allele frequency attached by ClinVar (database versions not stated): gnomAD exomes below 0.00001.
gnomAD v4.1: 1 of 1,613,836 alleles (0.000062%); highest among the groups gnomAD compares: Non-Finnish European, 0.000085%; no homozygotes.

Submission:

Labcorp Genetics (formerly Invitae), Labcorp
Classification: Uncertain significance. Last evaluated: 2022-11-08. Review status: criteria provided, single submitter. Criteria: Invitae Variant Classification Sherloc (09022015). Collection method: clinical testing. Allele origin: germline.
Comment: In summary, the available evidence is currently insufficient to determine the role of this variant in disease. Therefore, it has been classified as a Variant of Uncertain Significance. Algorithms developed to predict the effect of missense changes on protein structure and function are either unavailable or do not agree on the potential impact of this missense change (SIFT: "Deleterious"; PolyPhen-2: "Benign"; Align-GVGD: "Class C0"). ClinVar contains an entry for this variant (Variation ID: 1489132). This variant has not been reported in the literature in individuals affected with KIAA1549-related conditions. This variant is not present in population databases (gnomAD no frequency). This sequence change replaces lysine, which is basic and polar, with arginine, which is basic and polar, at codon 1941 of the KIAA1549 protein (p.Lys1941Arg).